The following is an entry in ClinVar:

ClinVar aggregate classification (germline): Likely pathogenic (1 of 4 stars; one submission).

Conditions:
RYR1-related disorder. Also called: RYR1-related condition; RYR1-related disorders. Identifiers: MedGen CN239331.

Allele frequency attached by ClinVar (database versions not stated): gnomAD exomes below 0.00001.
gnomAD v4.1: 1 of 1,602,858 alleles (0.000062%); highest among the groups gnomAD compares: Non-Finnish European, 0.000085%; no homozygotes.

Submission:

Labcorp Genetics (formerly Invitae), Labcorp
Classification: Likely pathogenic for RYR1-related disorder. Last evaluated: 2022-02-25. Review status: criteria provided, single submitter. Criteria: Invitae Variant Classification Sherloc (09022015). Collection method: clinical testing. Allele origin: germline.
Comment: This variant is not present in population databases (gnomAD no frequency). This variant has not been reported in the literature in individuals affected with RYR1-related conditions. Algorithms developed to predict the effect of sequence changes on RNA splicing suggest that this variant may disrupt the consensus splice site. In summary, the currently available evidence indicates that the variant is pathogenic, but additional data are needed to prove that conclusively. Therefore, this variant has been classified as Likely Pathogenic. This sequence change affects a donor splice site in intron 53 of the RYR1 gene. It is expected to disrupt RNA splicing. Variants that disrupt the donor or acceptor splice site typically lead to a loss of protein function (PMID: 16199547), and loss-of-function variants in RYR1 are known to be pathogenic (PMID: 20583297, 20839240, 23919265, 28818389).

Literature cited by the submitters: PubMed 16199547; PubMed 20583297; PubMed 20839240; PubMed 23919265; PubMed 28818389.

NM_000540.3(RYR1):c.8400+2T>C

Genes: RYR1 (ryanodine receptor 1; plus strand), LOC126862902 (BRD4-independent group 4 enhancer GRCh37_chr19:38995830-38997029; plus strand). Cytogenetic location: 19q13.2.
Variant type: single nucleotide variant.
Coding change: c.8400+2T>C on transcript NM_000540.3 (MANE Select); the canonical splice donor site of the intron after coding-DNA position 8400, T replaced by C.
Molecular consequence: splice donor variant.
Genome position (GRCh38, 1-based): chr19:38,505,400, T>C. VCF-style: chr19-38505400-T-C. GRCh37 (hg19) VCF-style: chr19-38996040-T-C.
Other names: c.8400+2T>C (NM_001042723.2).
Identifiers: ClinVar variation 2103198 (VCV002103198.4), dbSNP rs1057517909, ClinGen allele CA405677896.